The following is an entry in ClinVar:

NM_001358530.2(MOCS1):c.1357G>A (p.Ala453Thr)

Gene: MOCS1 (molybdenum cofactor synthesis 1; minus strand). Cytogenetic location: 6p21.2.
Variant type: single nucleotide variant.
Coding change: c.1357G>A on transcript NM_001358530.2 (MANE Select); coding-DNA position 1357, G replaced by A.
Protein change: p.Ala453Thr; replaces alanine 453 with threonine.
Molecular consequence: missense variant. On other transcripts: 3 prime UTR variant (4), non-coding transcript variant (1).
Genome position (GRCh38, 1-based): chr6:39,906,911, C>T on the plus strand (G>A on the coding strand, the complement: MOCS1 is on the minus strand). VCF-style: chr6-39906911-C-T. GRCh37 (hg19) VCF-style: chr6-39874687-C-T.
Other names: c.*214G>A (NM_001075098.4, NM_001358533.2, NM_001358534.2 and 1 more transcripts); c.1309G>A, p.Ala437Thr (NM_001358529.2); c.1096G>A, p.Ala366Thr (NM_001358531.2); short protein forms A437T, A453T, A366T.
Identifiers: ClinVar variation 2099775 (VCV002099775.3), dbSNP rs915693373, ClinGen allele CA137647388.
Genomic context (GRCh38, chr6:39,906,911, plus strand): 5'-AGGGGGCAGCAGAAGCCCAGGAACCTGGGCTAAGGCACTTTGAGTTGGCATCTGAGTCTG[C>T]ACGGGAAGTGTAGTGTCTCTGAAAGGAGCCAGACCCCAGCCGCTGCTGGGCTAGAGGAGG-3'
Protein context (NP_001345459.1, residues 443-463): GSFQRHYTSR[Ala453Thr]DSDANSKCLS

ClinVar aggregate classification (germline): Uncertain significance (1 of 4 stars; one submission).

Conditions:
Sulfite oxidase deficiency due to molybdenum cofactor deficiency type A. Also called: Molybdenum cofactor deficiency, complementation group A; Molybdenum Cofactor Deficiency A. Identifiers: Orphanet 308386, Orphanet 833, MedGen C1854988, MONDO:0009643, OMIM 252150.

Allele frequency attached by ClinVar (database versions not stated): TOPMed 0.00002.

Submission:

Labcorp Genetics (formerly Invitae), Labcorp
Classification: Uncertain significance for Sulfite oxidase deficiency due to molybdenum cofactor deficiency type A. Last evaluated: 2024-05-15. Review status: criteria provided, single submitter. Criteria: Invitae Variant Classification Sherloc (09022015). Collection method: clinical testing. Allele origin: germline.
Comment: This sequence change replaces alanine, which is neutral and non-polar, with threonine, which is neutral and polar, at codon 453 of the MOCS1 protein (p.Ala453Thr). This variant is not present in population databases (gnomAD no frequency). This variant has not been reported in the literature in individuals affected with MOCS1-related conditions. ClinVar contains an entry for this variant (Variation ID: 2099775). An algorithm developed to predict the effect of missense changes on protein structure and function (PolyPhen-2) suggests that this variant is likely to be tolerated. In summary, the available evidence is currently insufficient to determine the role of this variant in disease. Therefore, it has been classified as a Variant of Uncertain Significance.